The following is an entry in ClinVar:

ClinVar aggregate classification (germline): Pathogenic (1 of 4 stars; one submission).

Submission:

ISCA site 4
Classification: Pathogenic. Last evaluated: 2011-08-12. Review status: criteria provided, single submitter. Criteria: Kaminsky et al. (Genet Med. 2011). Collection method: clinical testing. Allele origin: unknown. Affected: yes. Observed: 1 variant allele.
Comment: Copy number variation identified through the course of routine clinical cytogenomic testing in postnatal populations. Clinical assertions have been curated as described in Kaminsky et al. 2011.

GRCh38/hg38 15q11.2-13.1(chr15:23319714-28275167)x3

Genes: ATP10A (ATPase phospholipid transporting 10A (putative); minus strand), ATP10A-DT (ATP10A divergent transcript; plus strand), GABRA5 (gamma-aminobutyric acid type A receptor subunit alpha5; plus strand), GABRB3 (gamma-aminobutyric acid type A receptor subunit beta3; minus strand), GABRG3 (gamma-aminobutyric acid type A receptor subunit gamma3; plus strand) and 140 more. Cytogenetic location: 15q11.2-13.1.
Variant type: copy number gain.
Change: copy number 3 (three copies instead of two) of chr15:23,319,714-28,275,167 (4.96 Mb, GRCh38 coordinates, 1-based), cytogenetic band 15q11.2-13.1.
Identifiers: ClinVar variation 59390 (VCV000059390.1).